The following is an entry in ClinVar:

ClinVar aggregate classification (germline): Benign/Likely benign. Review status: criteria provided, multiple submitters, no conflicts (2 of 4 stars). 7 submissions from 7 submitters: Benign (1); Likely benign (6). Last evaluated 2026-08-01.

Conditions:
Hereditary cancer-predisposing syndrome. Also called: Hereditary neoplastic syndrome; Neoplastic Syndromes, Hereditary; Hereditary Cancer Syndrome; Tumor predisposition. Identifiers: Orphanet 140162, MedGen C0027672, MeSH D009386, MONDO:0015356.
Inborn genetic diseases. Identifiers: MedGen C0950123, MeSH D030342.
Baller-Gerold syndrome (BGS). Also called: CRANIOSYNOSTOSIS WITH RADIAL DEFECTS. Identifiers: Orphanet 1225, MedGen C0265308, MONDO:0009039, OMIM 218600.

Allele frequency attached by ClinVar (database versions not stated): TOPMed 0.00054; ESP Exome Variant Server 0.00055; 1000 Genomes Project 30x 0.00078; 1000 Genomes Project 0.00080; gnomAD exomes 0.00082 and 0.00120; gnomAD 0.00116 and 0.00117; ExAC 0.00207.
gnomAD v4.1: 1,343 of 1,588,058 alleles (0.085%); highest among the groups gnomAD compares: South Asian, 0.22%; 6 homozygotes.

Submissions (7):

CeGaT Center for Human Genetics Tuebingen
Classification: Likely benign. Last evaluated: 2026-08-01. Review status: criteria provided, single submitter. Criteria: CeGaT Center For Human Genetics Tuebingen Variant Classification Criteria Version 2. Collection method: clinical testing. Allele origin: germline. Affected: yes. Observed: 8 variant alleles.
Comment: RECQL4: BP4, BP7

Labcorp Genetics (formerly Invitae), Labcorp
Classification: Benign for Baller-Gerold syndrome. Last evaluated: 2026-01-26. Review status: criteria provided, single submitter. Criteria: Invitae Variant Classification Sherloc (09022015). Collection method: clinical testing. Allele origin: germline.

Mayo Clinic Laboratories, Mayo Clinic
Classification: Likely benign. Last evaluated: 2025-10-23. Review status: criteria provided, single submitter. Criteria: ACMG Guidelines, 2015. Collection method: clinical testing. Allele origin: germline. Observed: 2 variant alleles.
Comment: BS1, BP4, BP7

Blueprint Genetics
Classification: Likely benign. Last evaluated: 2024-11-13. Review status: criteria provided, single submitter. Criteria: ACMG Guidelines, 2015. Collection method: clinical testing. Allele origin: germline.

Ambry Genetics
Classification: Likely benign for Inborn genetic diseases. Last evaluated: 2024-10-02. Review status: criteria provided, single submitter. Criteria: Ambry Variant Classification Scheme 2023. Collection method: clinical testing. Allele origin: germline.

Genetic Services Laboratory, University of Chicago
Classification: Likely benign. Last evaluated: 2021-12-06. Review status: criteria provided, single submitter. Criteria: ACMG Guidelines, 2015. Collection method: clinical testing. Allele origin: germline. Affected: no.

Sema4
Classification: Likely benign for Hereditary cancer-predisposing syndrome. Last evaluated: 2021-10-07. Review status: criteria provided, single submitter. Criteria: Sema4 Curation Guidelines. Collection method: curation. Allele origin: germline.

NM_004260.4(RECQL4):c.1398G>A (p.Pro466=)

Gene: RECQL4 (RecQ like helicase 4; minus strand). Cytogenetic location: 8q24.3.
Variant type: single nucleotide variant.
Coding change: c.1398G>A on transcript NM_004260.4 (MANE Select); coding-DNA position 1398, G replaced by A.
Protein change: p.Pro466=; no amino-acid change (proline 466 retained).
Molecular consequence: synonymous variant.
Genome position (GRCh38, 1-based): chr8:144,515,235, C>T on the plus strand (G>A on the coding strand, the complement: RECQL4 is on the minus strand). VCF-style: chr8-144515235-C-T. GRCh37 (hg19) VCF-style: chr8-145740619-C-T.
Other names: p.Pro466=.
Identifiers: ClinVar variation 414213 (VCV000414213.51), dbSNP rs145615931, ClinGen allele CA4948868.
Genomic context (GRCh38, chr8:144,515,235, plus strand): 5'-CTCCTGCCCAGGGCGAAAGGCTTGGTGCCCCAGCTGCTCCAGGGCCTGGAACACCTCAGC[C>T]GGCGTCTCTGCAGACACAGATGTTGATCACCATGACTTGAGTCACCCCAACCCCTCAGTG-3'
Protein context (NP_004251.4, residues 456-476): LGPSGQLAET[Pro466=]AEVFQALEQL